The following is an entry in ClinVar:

ClinVar aggregate classification (germline): Uncertain significance (1 of 4 stars; one submission).

Allele frequency attached by ClinVar (database versions not stated): ExAC 0.00001; gnomAD 0.00001.
gnomAD v4.1: 2 of 1,614,108 alleles (0.00012%); highest among the groups gnomAD compares: Non-Finnish European, 0.00017%; no homozygotes.

Submission:

Labcorp Genetics (formerly Invitae), Labcorp
Classification: Uncertain significance. Last evaluated: 2024-08-05. Review status: criteria provided, single submitter. Criteria: Invitae Variant Classification Sherloc (09022015). Collection method: clinical testing. Allele origin: germline.
Comment: This sequence change replaces proline, which is neutral and non-polar, with serine, which is neutral and polar, at codon 402 of the IRF2BP2 protein (p.Pro402Ser). This variant is present in population databases (rs777725435, gnomAD 0.0009%). This variant has not been reported in the literature in individuals affected with IRF2BP2-related conditions. An algorithm developed to predict the effect of missense changes on protein structure and function (PolyPhen-2) suggests that this variant is likely to be disruptive. In summary, the available evidence is currently insufficient to determine the role of this variant in disease. Therefore, it has been classified as a Variant of Uncertain Significance.

NM_182972.3(IRF2BP2):c.1204C>T (p.Pro402Ser)

Gene: IRF2BP2 (interferon regulatory factor 2 binding protein 2; minus strand). Cytogenetic location: 1q42.3.
Variant type: single nucleotide variant.
Coding change: c.1204C>T on transcript NM_182972.3 (MANE Select); coding-DNA position 1204, C replaced by T.
Protein change: p.Pro402Ser; replaces proline 402 with serine.
Molecular consequence: missense variant.
Genome position (GRCh38, 1-based): chr1:234,607,697, G>A on the plus strand (C>T on the coding strand, the complement: IRF2BP2 is on the minus strand). VCF-style: chr1-234607697-G-A. GRCh37 (hg19) VCF-style: chr1-234743443-G-A.
Other names: c.1156C>T, p.Pro386Ser (NM_001077397.1); short protein forms P386S, P402S.
Identifiers: ClinVar variation 2790614 (VCV002790614.3), dbSNP rs777725435, ClinGen allele CA1461616.